The following is an entry in ClinVar:

NM_022356.4(P3H1):c.961G>A (p.Val321Ile)

Gene: P3H1 (prolyl 3-hydroxylase 1; minus strand). Cytogenetic location: 1p34.2.
Variant type: single nucleotide variant.
Coding change: c.961G>A on transcript NM_022356.4 (MANE Select); coding-DNA position 961, G replaced by A.
Protein change: p.Val321Ile; replaces valine 321 with isoleucine.
Molecular consequence: missense variant.
Genome position (GRCh38, 1-based): chr1:42,757,902, C>T on the plus strand (G>A on the coding strand, the complement: P3H1 is on the minus strand). VCF-style: chr1-42757902-C-T. GRCh37 (hg19) VCF-style: chr1-43223573-C-T.
Other names: c.961G>A, p.Val321Ile (NM_001146289.2, NM_001243246.2); short protein forms V321I.
Identifiers: ClinVar variation 468989 (VCV000468989.8), dbSNP rs866278783, ClinGen allele CA21244962.

ClinVar aggregate classification (germline): Uncertain significance (1 of 4 stars; one submission).

Conditions:
Osteogenesis imperfecta type 8 (OI8). Identifiers: MedGen C1970458, MONDO:0012581, OMIM 610915.

Submission:

Labcorp Genetics (formerly Invitae), Labcorp
Classification: Uncertain significance for Osteogenesis imperfecta type 8. Last evaluated: 2017-06-07. Review status: criteria provided, single submitter. Criteria: Invitae Variant Classification Sherloc (09022015). Collection method: clinical testing. Allele origin: germline.
Comment: In summary, this variant has uncertain impact on P3H1 function. The available evidence is currently insufficient to determine its role in disease. Therefore, it has been classified as a Variant of Uncertain Significance. Algorithms developed to predict the effect of missense changes on protein structure and function output the following: SIFT: "Tolerated"; PolyPhen-2: "Benign"; Align-GVGD: "Class C0". The isoleucine amino acid residue is found in multiple mammalian species, suggesting that this missense change does not adversely affect protein function. These predictions have not been confirmed by published functional studies and their clinical significance is uncertain. This variant has not been reported in the literature in individuals with a P3H1-related disease. This variant is not present in population databases (ExAC no frequency). This sequence change replaces valine with isoleucine at codon 321 of the P3H1 protein (p.Val321Ile). The valine residue is weakly conserved and there is a small physicochemical difference between valine and isoleucine.